The following is an entry in ClinVar:

NM_152381.6(XIRP2):c.753G>T (p.Val251=)

Gene: XIRP2 (xin actin binding repeat containing 2; plus strand). Cytogenetic location: 2q24.3.
Variant type: single nucleotide variant.
Coding change: c.753G>T on transcript NM_152381.6 (MANE Select); coding-DNA position 753, G replaced by T.
Protein change: p.Val251=; no amino-acid change (valine 251 retained).
Molecular consequence: synonymous variant.
Genome position (GRCh38, 1-based): chr2:167,218,195, G>T. VCF-style: chr2-167218195-G-T. GRCh37 (hg19) VCF-style: chr2-168074705-G-T.
Other names: c.753G>T, p.Val251= (NM_001079810.4); c.852G>T, p.Val284= (NM_001199143.2); c.87G>T, p.Val29= (NM_001199144.2, NM_001199145.2); c.753G>T (NM_152381.5).
Identifiers: ClinVar variation 724596 (VCV000724596.7), dbSNP rs77709584, ClinGen allele CA1946264.

ClinVar aggregate classification (germline): Benign. Review status: criteria provided, multiple submitters, no conflicts (2 of 4 stars). 3 submissions from 3 submitters: Benign (2). 1 of the submissions does not count toward it. Last evaluated 2019-12-31.

Conditions:
XIRP2-related disorder. Also called: XIRP2-related condition.

Allele frequency attached by ClinVar (database versions not stated): ESP Exome Variant Server 0.00008; gnomAD 0.00203 and 0.00333; TOPMed 0.00315; gnomAD exomes 0.00334 and 0.00597; ExAC 0.00614; 1000 Genomes Project 30x 0.01655; 1000 Genomes Project 0.01777.
gnomAD v4.1: 5,313 of 1,605,626 alleles (0.33%); highest among the groups gnomAD compares: East Asian, 9%; 216 homozygotes.

Submissions (3):

Labcorp Genetics (formerly Invitae), Labcorp
Classification: Benign. Last evaluated: 2019-12-31. Review status: criteria provided, single submitter. Criteria: Invitae Variant Classification Sherloc (09022015). Collection method: clinical testing. Allele origin: germline.

Breakthrough Genomics
Classification: Benign. Review status: criteria provided, single submitter. Criteria: ACMG Guidelines, 2015. Collection method: not provided. Allele origin: germline. Inheritance: Unknown mechanism. Affected: yes.

PreventionGenetics, part of Exact Sciences
Classification: Benign for XIRP2-related condition. Last evaluated: 2019-03-27. Review status: no assertion criteria provided. Collection method: clinical testing. Allele origin: germline. Not counted in ClinVar's aggregate classification.
Comment: This variant is classified as benign based on ACMG/AMP sequence variant interpretation guidelines (Richards et al. 2015 PMID: 25741868, with internal and published modifications).